The following is an entry in ClinVar:

NM_001165963.4(SCN1A):c.4437T>G (p.Ile1479Met)

Genes: SCN1A (sodium voltage-gated channel alpha subunit 1; minus strand), LOC102724058 (uncharacterized LOC102724058; plus strand). Cytogenetic location: 2q24.3.
Variant type: single nucleotide variant.
Coding change: c.4437T>G on transcript NM_001165963.4 (MANE Select); coding-DNA position 4437, T replaced by G.
Protein change: p.Ile1479Met; replaces isoleucine 1479 with methionine.
Molecular consequence: missense variant. On other transcripts: non-coding transcript variant (1).
Genome position (GRCh38, 1-based): chr2:165,998,077, A>C on the plus strand (T>G on the coding strand, the complement: SCN1A is on the minus strand). VCF-style: chr2-165998077-A-C. GRCh37 (hg19) VCF-style: chr2-166854587-A-C.
Other names: c.4353T>G, p.Ile1451Met (NM_001165964.3, NM_001353957.2, NM_001353958.2); c.4437T>G, p.Ile1479Met (NM_001202435.3, NM_001353948.2); c.4404T>G, p.Ile1468Met (NM_001353949.2, NM_001353950.2, NM_001353951.2 and 2 more transcripts); c.4401T>G, p.Ile1467Met (NM_001353954.2, NM_001353955.2); c.4350T>G, p.Ile1450Met (NM_001353960.2); c.1995T>G, p.Ile665Met (NM_001353961.2); short protein forms I1451M, I1479M, I1450M, I1467M, I1468M, I665M.
Identifiers: ClinVar variation 2813168 (VCV002813168.3), dbSNP rs2468393891, ClinGen allele CA349049252.

ClinVar aggregate classification (germline): Uncertain significance (1 of 4 stars; one submission).

Conditions:
Early-infantile DEE. Also called: Early infantile epileptic encephalopathy; Early infantile epileptic encephalopathy with suppression bursts; Ohtahara syndrome. Identifiers: Orphanet 1934, MedGen C0393706, MONDO:0800491.

Submission:

Labcorp Genetics (formerly Invitae), Labcorp
Classification: Uncertain significance for Early-infantile DEE. Last evaluated: 2022-11-09. Review status: criteria provided, single submitter. Criteria: Invitae Variant Classification Sherloc (09022015). Collection method: clinical testing. Allele origin: germline.
Comment: In summary, the available evidence is currently insufficient to determine the role of this variant in disease. Therefore, it has been classified as a Variant of Uncertain Significance. Advanced modeling of protein sequence and biophysical properties (such as structural, functional, and spatial information, amino acid conservation, physicochemical variation, residue mobility, and thermodynamic stability) performed at Invitae indicates that this missense variant is expected to disrupt SCN1A protein function. This variant has not been reported in the literature in individuals affected with SCN1A-related conditions. This variant is not present in population databases (gnomAD no frequency). This sequence change replaces isoleucine, which is neutral and non-polar, with methionine, which is neutral and non-polar, at codon 1479 of the SCN1A protein (p.Ile1479Met).